The following is an entry in ClinVar:

ClinVar aggregate classification (germline): Uncertain significance (1 of 4 stars; one submission).

Conditions:
Hypertrophic cardiomyopathy 26. Also called: Cardiomyopathy, familial hypertrophic, 26. Identifiers: Orphanet 75249, MedGen C4310749, MONDO:0014883, OMIM 617047.
Myofibrillar myopathy 5. Also called: Filaminopathy (type); FILAMINOPATHY, AUTOSOMAL DOMINANT. Identifiers: Orphanet 171445, MedGen C1836050, MONDO:0012289, OMIM 609524.
Distal myopathy with posterior leg and anterior hand involvement. Also called: WILLIAMS DISTAL MYOPATHY. Identifiers: Orphanet 63273, MedGen C3279722, MONDO:0013550, OMIM 614065.

gnomAD v4.1: 13 of 1,613,908 alleles (0.00081%); highest among the groups gnomAD compares: Non-Finnish European, 0.001%; no homozygotes.

Submission:

Labcorp Genetics (formerly Invitae), Labcorp
Classification: Uncertain significance for Distal myopathy with posterior leg and anterior hand involvement; Myofibrillar myopathy 5; Hypertrophic cardiomyopathy 26. Last evaluated: 2025-07-02. Review status: criteria provided, single submitter. Criteria: Invitae Variant Classification Sherloc (09022015). Collection method: clinical testing. Allele origin: germline.
Comment: This sequence change replaces arginine, which is basic and polar, with leucine, which is neutral and non-polar, at codon 1313 of the FLNC protein (p.Arg1313Leu). This variant is present in population databases (no rsID available, gnomAD 0.0009%). This variant has not been reported in the literature in individuals affected with FLNC-related conditions. Invitae Evidence Modeling of protein sequence and biophysical properties (such as structural, functional, and spatial information, amino acid conservation, physicochemical variation, residue mobility, and thermodynamic stability) has been performed for this missense variant. However, the output from this modeling did not meet the statistical confidence thresholds required to predict the impact of this variant on FLNC protein function. In summary, the available evidence is currently insufficient to determine the role of this variant in disease. Therefore, it has been classified as a Variant of Uncertain Significance.

NM_001458.5(FLNC):c.3938G>T (p.Arg1313Leu)

Gene: FLNC (filamin C; plus strand). Cytogenetic location: 7q32.1.
Variant type: single nucleotide variant.
Coding change: c.3938G>T on transcript NM_001458.5 (MANE Select); coding-DNA position 3938, G replaced by T.
Protein change: p.Arg1313Leu; replaces arginine 1313 with leucine.
Molecular consequence: missense variant.
Genome position (GRCh38, 1-based): chr7:128,846,137, G>T. VCF-style: chr7-128846137-G-T. GRCh37 (hg19) VCF-style: chr7-128486191-G-T.
Other names: c.3938G>T, p.Arg1313Leu (NM_001127487.2); short protein forms R1313L.
Identifiers: ClinVar variation 4812607 (VCV004812607.1).